The following is an entry in ClinVar:

ClinVar aggregate classification (germline): Uncertain significance. Review status: criteria provided, multiple submitters, no conflicts (2 of 4 stars). 3 submissions from 3 submitters: Uncertain significance (3). Last evaluated 2025-06-12.

Conditions:
Inborn genetic diseases. Identifiers: MedGen C0950123, MeSH D030342.

Allele frequency attached by ClinVar (database versions not stated): ESP Exome Variant Server 0.00009.

Submissions (3):

Labcorp Genetics (formerly Invitae), Labcorp
Classification: Uncertain significance. Last evaluated: 2025-06-12. Review status: criteria provided, single submitter. Criteria: Invitae Variant Classification Sherloc (09022015). Collection method: clinical testing. Allele origin: germline.
Comment: This sequence change replaces arginine, which is basic and polar, with cysteine, which is neutral and slightly polar, at codon 891 of the CRB2 protein (p.Arg891Cys). The frequency data for this variant in the population databases is considered unreliable, as metrics indicate poor data quality at this position in the gnomAD database. This variant has not been reported in the literature in individuals affected with CRB2-related conditions. ClinVar contains an entry for this variant (Variation ID: 1505180). Invitae Evidence Modeling of protein sequence and biophysical properties (such as structural, functional, and spatial information, amino acid conservation, physicochemical variation, residue mobility, and thermodynamic stability) has been performed for this missense variant. However, the output from this modeling did not meet the statistical confidence thresholds required to predict the impact of this variant on CRB2 protein function. In summary, the available evidence is currently insufficient to determine the role of this variant in disease. Therefore, it has been classified as a Variant of Uncertain Significance.

Ambry Genetics
Classification: Uncertain significance for Inborn genetic diseases. Last evaluated: 2022-12-21. Review status: criteria provided, single submitter. Criteria: Ambry Variant Classification Scheme 2023. Collection method: clinical testing. Allele origin: germline.

Blueprint Genetics
Classification: Uncertain significance. Last evaluated: 2019-03-12. Review status: criteria provided, single submitter. Criteria: ACMG Guidelines, 2015. Collection method: clinical testing. Allele origin: germline.

NM_173689.7(CRB2):c.2671C>T (p.Arg891Cys)

Gene: CRB2 (crumbs cell polarity complex component 2; plus strand). Cytogenetic location: 9q33.3.
Variant type: single nucleotide variant.
Coding change: c.2671C>T on transcript NM_173689.7 (MANE Select); coding-DNA position 2671, C replaced by T.
Protein change: p.Arg891Cys; replaces arginine 891 with cysteine.
Molecular consequence: missense variant. On other transcripts: non-coding transcript variant (1).
Genome position (GRCh38, 1-based): chr9:123,373,202, C>T. VCF-style: chr9-123373202-C-T. GRCh37 (hg19) VCF-style: chr9-126135481-C-T.
Other names: c.2671C>T (NM_173689.5); short protein forms R891C.
Identifiers: ClinVar variation 1505180 (VCV001505180.8), dbSNP rs372324248, ClinGen allele CA5232285.
Genomic context (GRCh38, chr9:123,373,202, plus strand): 5'-GAGGCCACGTTCCGCGAGGGTCCCCCCGCCGCGTTCAGCGGGCACAACGCGTCGTCAGGG[C>T]GCTTGCTCGGCGGCCTGTCGCTGGCCTTTCGCACGCGCGACTCCGAGGCCTGGCTGCTGC-3'
Protein context (NP_775960.4, residues 881-901): AFSGHNASSG[Arg891Cys]LLGGLSLAFR